The following is an entry in ClinVar:

NM_181882.3(PRX):c.2307G>A (p.Pro769=)

Gene: PRX (periaxin; minus strand). Cytogenetic location: 19q13.2.
Variant type: single nucleotide variant.
Coding change: c.2307G>A on transcript NM_181882.3 (MANE Select); coding-DNA position 2307, G replaced by A.
Protein change: p.Pro769=; no amino-acid change (proline 769 retained).
Molecular consequence: synonymous variant. On other transcripts: 3 prime UTR variant (1).
Genome position (GRCh38, 1-based): chr19:40,396,045, C>T on the plus strand (G>A on the coding strand, the complement: PRX is on the minus strand). VCF-style: chr19-40396045-C-T. GRCh37 (hg19) VCF-style: chr19-40901952-C-T.
Other names: c.*2512G>A (NM_020956.2).
Identifiers: ClinVar variation 388104 (VCV000388104.12), dbSNP rs148655811, ClinGen allele CA9444075.
Genomic context (GRCh38, chr19:40,396,045, plus strand): 5'-TGCCTTGGTGGCCTTTAGCTGCACCTCCGGAGCCCTGGGCAGCTTCACCTCTGGTGCCTT[C>T]GGAAGATGCACGTCGGGAACCTTCGGCACTTGCATTTCCGGCAGCCGAATCTCTGACACT-3'
Protein context (NP_870998.2, residues 759-779): QVPKVPDVHL[Pro769=]KAPEVKLPRA

ClinVar aggregate classification (germline): Likely benign. Review status: criteria provided, multiple submitters, no conflicts (2 of 4 stars). 4 submissions from 4 submitters: Likely benign (4). Last evaluated 2025-02-13.

Conditions:
Charcot-Marie-Tooth disease. Also called: Charcot-Marie-Tooth Hereditary Neuropathy; Charcot-Marie-Tooth Neuropathy. Identifiers: Orphanet 166, MedGen C0007959, MONDO:0015626.
Charcot-Marie-Tooth disease type 4. Also called: Charcot-Marie-Tooth disease, type IV; Charcot-Marie-Tooth, Type 4. Identifiers: Orphanet 64749, MedGen C4082197, MONDO:0018995.
Inborn genetic diseases. Identifiers: MedGen C0950123, MeSH D030342.

Allele frequency attached by ClinVar (database versions not stated): gnomAD 0.00001; ExAC 0.00002; gnomAD exomes 0.00002; TOPMed 0.00006; ESP Exome Variant Server 0.00008; 1000 Genomes Project 30x 0.00016; 1000 Genomes Project 0.00020.
gnomAD v4.1: 30 of 1,614,166 alleles (0.0019%); highest among the groups gnomAD compares: Admixed American, 0.005%; no homozygotes.

Submissions (4):

Labcorp Genetics (formerly Invitae), Labcorp
Classification: Likely benign for Charcot-Marie-Tooth disease type 4. Last evaluated: 2025-02-13. Review status: criteria provided, single submitter. Criteria: Invitae Variant Classification Sherloc (09022015). Collection method: clinical testing. Allele origin: germline.

Ambry Genetics
Classification: Likely benign for Inborn genetic diseases. Last evaluated: 2019-07-11. Review status: criteria provided, single submitter. Criteria: Ambry Variant Classification Scheme 2023. Collection method: clinical testing. Allele origin: germline.

GeneDx
Classification: Likely benign. Last evaluated: 2016-08-01. Review status: criteria provided, single submitter. Criteria: GeneDx Variant Classification (06012015). Collection method: clinical testing. Allele origin: germline. Affected: yes.
Comment: This variant is considered likely benign or benign based on one or more of the following criteria: it is a conservative change, it occurs at a poorly conserved position in the protein, it is predicted to be benign by multiple in silico algorithms, and/or has population frequency not consistent with disease.

Molecular Genetics Laboratory, London Health Sciences Centre
Classification: Likely benign for Charcot-Marie-Tooth disease. Review status: criteria provided, single submitter. Criteria: ACMG Guidelines, 2015. Collection method: clinical testing. Allele origin: germline. Affected: yes.